The following is an entry in ClinVar:

ClinVar aggregate classification (germline): Likely pathogenic. Review status: reviewed by expert panel (3 of 4 stars). 4 submissions from 4 submitters: Likely pathogenic (1). 3 of the submissions do not count toward it. Last evaluated 2023-12-29.

Conditions:
Familial thoracic aortic aneurysm and aortic dissection (TAAD). Also called: Thoracic aortic aneurysms and dissections. Identifiers: Orphanet 91387, MedGen C4707243, MONDO:0019625.
Marfan syndrome (MFS). Also called: MARFAN SYNDROME, TYPE I; Marfan syndrome type 1; Marfan's syndrome; Marfan syndrome, classic; FBN1-Related Marfan Syndrome. Identifiers: Orphanet 284963, Orphanet 558, MedGen C0024796, MONDO:0007947, OMIM 154700.
FBN1-related disorder. Also called: FBN1-related disorders.

Submissions (4):

ClinGen FBN1 Variant Curation Expert Panel, ClinGen
Classification: Likely pathogenic for Marfan syndrome. Last evaluated: 2023-12-29. Review status: reviewed by expert panel. Criteria: Assertion Criteria VCEP FBN1 Version 1. Collection method: curation. Allele origin: germline. Inheritance: Autosomal dominant inheritance.
Comment: NM_000138.5 c.4526A>G is a missense variant in FBN1 predicted to cause a substitution of a tyrosine by cysteine at amino acid 1509 (p.Tyr1509Cys). This variant has been identified in at least four individuals including two probands with clinical diagnoses of Marfan syndrome, an individual with mild thoracic aortic aneurysm and dissection (TAAD) and systemic features without fulfilling Marfan syndrome diagnostic criteria, and an individual of tall stature with TAAD (PS4_moderate; PMID: 26787436; Johns Hopkins & University of Tokyo internal data). It is absent from gnomAD (PM2_supporting; v2.1.1 & v3.1.2). This variant introduces a novel cysteine residue which may impede the normal formation of essential disulfide bridges and occurs at a residue in a critical calcium-binding site within a calcium-binding EGF-like domain (PM1). Computational prediction tools and conservation analysis support that this variant is likely to impact the protein (PP3; REVEL = 0.916). The constraint z-score for missense variants affecting FBN1 is 5.06 (PP2). In summary, this variant meets criteria to be classified as likely pathogenic for Marfan syndrome based on the ACMG/AMP criteria applied, as specified by the ClinGen FBN1 VCEP: PM1, PS4_moderate, PP2, PP3, PM2_supporting.

Ambry Genetics
Classification: Likely pathogenic for Familial thoracic aortic aneurysm and aortic dissection. Last evaluated: 2026-07-17. Review status: criteria provided, single submitter. Criteria: Ambry Variant Classification Scheme 2023. Collection method: clinical testing. Allele origin: germline. Not counted in ClinVar's aggregate classification.
Comment: The c.4526A>G (p.Y1509C) alteration is located in exon 37 (coding exon 36) of the FBN1 gene. This alteration results from an A to G substitution at nucleotide position 4526, causing the tyrosine (Y) at amino acid position 1509 to be replaced by a cysteine (C). This variant was not reported in population-based cohorts in the Genome Aggregation Database (gnomAD). This variant was reported in individual(s) with features consistent with Marfan syndrome and related fibrillinopathies (Franken, 2016; Yang, 2023). Other variant(s) at the same codon, c.4525T>G (p.Y1509D), have been identified in individual(s) with features consistent with Marfan syndrome and related fibrillinopathies (external communication). This amino acid position is highly conserved in available vertebrate species. This alteration is predicted to be deleterious by in silico analysis. Based on the available evidence, this alteration is classified as likely pathogenic.

Labcorp Genetics (formerly Invitae), Labcorp
Classification: Likely pathogenic for Marfan syndrome; Familial thoracic aortic aneurysm and aortic dissection. Last evaluated: 2024-08-22. Review status: criteria provided, single submitter. Criteria: Invitae Variant Classification Sherloc (09022015). Collection method: clinical testing. Allele origin: germline. Not counted in ClinVar's aggregate classification.
Comment: This sequence change replaces tyrosine, which is neutral and polar, with cysteine, which is neutral and slightly polar, at codon 1509 of the FBN1 protein (p.Tyr1509Cys). This variant is not present in population databases (gnomAD no frequency). This missense change has been observed in individuals with Marfan syndrome (PMID: 26787436). ClinVar contains an entry for this variant (Variation ID: 180355). Invitae Evidence Modeling of protein sequence and biophysical properties (such as structural, functional, and spatial information, amino acid conservation, physicochemical variation, residue mobility, and thermodynamic stability) indicates that this missense variant is expected to disrupt FBN1 protein function with a positive predictive value of 95%. In summary, the currently available evidence indicates that the variant is pathogenic, but additional data are needed to prove that conclusively. Therefore, this variant has been classified as Likely Pathogenic.

Blueprint Genetics
Classification: Likely pathogenic for FBN1-related disorders. Last evaluated: 2024-01-23. Review status: criteria provided, single submitter. Criteria: ACMG Guidelines, 2015. Collection method: clinical testing. Allele origin: germline. Affected: yes. Observed: 3 variant alleles. Not counted in ClinVar's aggregate classification.

Literature cited by the submitters: PubMed 26787436 (cited by Ambry Genetics and Labcorp Genetics (formerly Invitae), Labcorp); PubMed 36517271 (cited by Ambry Genetics).

NM_000138.5(FBN1):c.4526A>G (p.Tyr1509Cys)

Gene: FBN1 (fibrillin 1; minus strand). Cytogenetic location: 15q21.1.
Variant type: single nucleotide variant.
Coding change: c.4526A>G on transcript NM_000138.5 (MANE Select); coding-DNA position 4526, A replaced by G.
Protein change: p.Tyr1509Cys; replaces tyrosine 1509 with cysteine.
Molecular consequence: missense variant.
Genome position (GRCh38, 1-based): chr15:48,468,468, T>C on the plus strand (A>G on the coding strand, the complement: FBN1 is on the minus strand). VCF-style: chr15-48468468-T-C. GRCh37 (hg19) VCF-style: chr15-48760665-T-C.
Other names: NM_000138.5(FBN1):c.4526A>G; p.Tyr1509Cys; short protein forms Y1509C.
Identifiers: ClinVar variation 180355 (VCV000180355.15), dbSNP rs730880102, ClinGen allele CA015164.